The following is an entry in ClinVar:

NM_015404.4(WHRN):c.1554C>T (p.Ser518=)

Gene: WHRN (whirlin; minus strand). Cytogenetic location: 9q32.
Variant type: single nucleotide variant.
Coding change: c.1554C>T on transcript NM_015404.4 (MANE Select); coding-DNA position 1554, C replaced by T.
Protein change: p.Ser518=; no amino-acid change (serine 518 retained).
Molecular consequence: synonymous variant.
Genome position (GRCh38, 1-based): chr9:114,423,386, G>A on the plus strand (C>T on the coding strand, the complement: WHRN is on the minus strand). VCF-style: chr9-114423386-G-A. GRCh37 (hg19) VCF-style: chr9-117185666-G-A.
Other names: c.405C>T, p.Ser135= (NM_001083885.3); c.1554C>T, p.Ser518= (NM_001173425.2); c.501C>T, p.Ser167= (NM_001346890.1).
Identifiers: ClinVar variation 1533287 (VCV001533287.32), dbSNP rs752882310, ClinGen allele CA5205912.

ClinVar aggregate classification (germline): Likely benign. Review status: criteria provided, multiple submitters, no conflicts (2 of 4 stars). 3 submissions from 3 submitters: Likely benign (3). Last evaluated 2025-02-17.

Allele frequency attached by ClinVar (database versions not stated): gnomAD exomes 0.00002 and 0.00005; gnomAD 0.00003 and 0.00004; TOPMed 0.00003; ExAC 0.00007.

Submissions (3):

Labcorp Genetics (formerly Invitae), Labcorp
Classification: Likely benign. Last evaluated: 2025-02-17. Review status: criteria provided, single submitter. Criteria: Invitae Variant Classification Sherloc (09022015). Collection method: clinical testing. Allele origin: germline.

Blueprint Genetics
Classification: Likely benign. Last evaluated: 2024-06-07. Review status: criteria provided, single submitter. Criteria: ACMG Guidelines, 2015. Collection method: clinical testing. Allele origin: germline.

CeGaT Center for Human Genetics Tuebingen
Classification: Likely benign. Last evaluated: 2022-09-01. Review status: criteria provided, single submitter. Criteria: CeGaT Center For Human Genetics Tuebingen Variant Classification Criteria Version 2. Collection method: clinical testing. Allele origin: germline. Affected: yes. Observed: 1 variant allele.
Comment: WHRN: BP4, BP7